The following is an entry in ClinVar:

ClinVar aggregate classification (germline): Uncertain significance (1 of 4 stars; one submission).

Conditions:
Hereditary cancer-predisposing syndrome. Also called: Neoplastic Syndromes, Hereditary; Tumor predisposition; Hereditary Cancer Syndrome; Hereditary neoplastic syndrome. Identifiers: Orphanet 140162, MedGen C0027672, MeSH D009386, MONDO:0015356.

Submission:

Ambry Genetics
Classification: Uncertain significance for Hereditary cancer-predisposing syndrome. Last evaluated: 2025-12-11. Review status: criteria provided, single submitter. Criteria: Ambry Variant Classification Scheme 2023. Collection method: clinical testing. Allele origin: germline.
Comment: The c.1845_1848delTGAG variant, located in coding exon 5 of the MET gene, results from a deletion of 4 nucleotides at nucleotide positions 1845 to 1848, causing a translational frameshift with a predicted alternate stop codon (p.S615Rfs*4). This alteration is expected to result in protein truncation or nonsense-mediated mRNA decay. However, loss of function has not been established as a mechanism of disease. Based on the available evidence, the clinical significance of this alteration remains unclear.

NM_000245.4(MET):c.1845_1848del (p.Ser615fs)

Gene: MET (MET proto-oncogene, receptor tyrosine kinase; plus strand). Cytogenetic location: 7q31.2.
Variant type: Deletion.
Coding change: c.1845_1848del on transcript NM_000245.4 (MANE Select); coding-DNA positions 1845 to 1848, 4 bases deleted (TGAG; older notation c.1845_1848delTGAG).
Protein change: p.Ser615fs; shifts the reading frame from serine 615.
Molecular consequence: frameshift variant.
Genome position (GRCh38, 1-based): chr7:116,755,498-116,755,501, TGAG deleted; deleting any 4 consecutive bases within chr7:116,755,496-116,755,501 gives the same sequence; the c. name uses the placement nearest the transcript's 3' end. VCF-style (leftmost placement, unchanged base first): chr7-116755495-AAGTG-A. GRCh37 (hg19) VCF-style: chr7-116395549-AAGTG-A.
Other names: c.1845_1848del, p.Ser615fs (NM_001127500.3, NM_001324401.3); c.555_558del, p.Ser185fs (NM_001324402.2); short protein forms S615fs, S185fs.
Identifiers: ClinVar variation 4647066 (VCV004647066.1).
Genomic context (GRCh38, chr7:116,755,495, plus strand): 5'-TAAATTTGATTTAAAGAAAACTAGAGTTCTCCTTGGAAATGAGAGCTGCACCTTGACTTT[AAGTG>A]AGAGCACGATGAATACGTAAGGATCTTAAAATGCTTTGCTGGGGTGTGCTTGGAAAATAG-3'